The following is an entry in ClinVar:

NM_000283.4(PDE6B):c.1195G>A (p.Ala399Thr)

Gene: PDE6B (phosphodiesterase 6B; plus strand). Cytogenetic location: 4p16.3.
Variant type: single nucleotide variant.
Coding change: c.1195G>A on transcript NM_000283.4 (MANE Select); coding-DNA position 1195, G replaced by A.
Protein change: p.Ala399Thr; replaces alanine 399 with threonine.
Molecular consequence: missense variant.
Genome position (GRCh38, 1-based): chr4:656,961, G>A. VCF-style: chr4-656961-G-A. GRCh37 (hg19) VCF-style: chr4-650750-G-A.
Other names: c.1195G>A (NM_000283.3); c.1195G>A, p.Ala399Thr (NM_001145291.2); c.358G>A, p.Ala120Thr (NM_001145292.2, NM_001350154.3, NM_001379246.1 and 1 more transcripts); c.40G>A, p.Ala14Thr (NM_001350155.3); short protein forms A120T, A14T, A399T.
Identifiers: ClinVar variation 1027302 (VCV001027302.12), dbSNP rs532583140, ClinGen allele CA2794386.

ClinVar aggregate classification (germline): Uncertain significance. Review status: criteria provided, multiple submitters, no conflicts (2 of 4 stars). 3 submissions from 3 submitters: Uncertain significance (3). Last evaluated 2025-12-28.

Conditions:
PDE6B-related disorder. Also called: PDE6B-related disorders; PDE6B-related disease; PDE6B-related condition.

Allele frequency attached by ClinVar (database versions not stated): ExAC 0.00003; gnomAD exomes 0.00003; gnomAD 0.00004 and 0.00005; TOPMed 0.00004; 1000 Genomes Project 0.00020; 1000 Genomes Project 30x 0.00031.

Submissions (3):

Labcorp Genetics (formerly Invitae), Labcorp
Classification: Uncertain significance. Last evaluated: 2025-12-28. Review status: criteria provided, single submitter. Criteria: Invitae Variant Classification Sherloc (09022015). Collection method: clinical testing. Allele origin: germline.
Comment: This sequence change replaces alanine, which is neutral and non-polar, with threonine, which is neutral and polar, at codon 399 of the PDE6B protein (p.Ala399Thr). This variant is present in population databases (rs532583140, gnomAD 0.04%). This variant has not been reported in the literature in individuals affected with PDE6B-related conditions. ClinVar contains an entry for this variant (Variation ID: 1027302). Invitae Evidence Modeling of protein sequence and biophysical properties (such as structural, functional, and spatial information, amino acid conservation, physicochemical variation, residue mobility, and thermodynamic stability) has been performed for this missense variant. However, the output from this modeling did not meet the statistical confidence thresholds required to predict the impact of this variant on PDE6B protein function. In summary, the available evidence is currently insufficient to determine the role of this variant in disease. Therefore, it has been classified as a Variant of Uncertain Significance.

PreventionGenetics, part of Exact Sciences
Classification: Uncertain significance for PDE6B-related condition. Last evaluated: 2024-10-18. Review status: criteria provided, single submitter. Criteria: ACMG Guidelines, 2015. Collection method: clinical testing. Allele origin: germline.
Comment: The PDE6B c.1195G>A variant is predicted to result in the amino acid substitution p.Ala399Thr. To our knowledge, this variant has not been reported in the literature. This variant is reported in 0.040% of alleles in individuals of African descent in gnomAD. At this time, the clinical significance of this variant is uncertain due to the absence of conclusive functional and genetic evidence.

Blueprint Genetics
Classification: Uncertain significance. Last evaluated: 2023-02-23. Review status: criteria provided, single submitter. Criteria: ACMG Guidelines, 2015. Collection method: clinical testing. Allele origin: germline.